The following is an entry in ClinVar:

NM_001378454.1(ALMS1):c.1413del (p.Pro472fs)

Gene: ALMS1 (ALMS1 centrosome and basal body associated protein; plus strand). Cytogenetic location: 2p13.1.
Variant type: Deletion.
Coding change: c.1413del on transcript NM_001378454.1 (MANE Select); coding-DNA position 1413, one base deleted (T; older notation c.1413delT).
Protein change: p.Pro472fs; shifts the reading frame from proline 472.
Molecular consequence: frameshift variant.
Genome position (GRCh38, 1-based): chr2:73,432,272, T deleted. VCF-style (leftmost placement, unchanged base first): chr2-73432271-CT-C. GRCh37 (hg19) VCF-style: chr2-73659399-CT-C.
Other names: c.1416del, p.Pro473fs (NM_015120.4); short protein forms P472fs, P473fs.
Identifiers: ClinVar variation 1445423 (VCV001445423.6), dbSNP rs2103734574, ClinGen allele CA2573135774.

ClinVar aggregate classification (germline): Pathogenic (1 of 4 stars; one submission).

Conditions:
Alstrom syndrome (ALMS). Identifiers: Orphanet 64, MedGen C0268425, MONDO:0008763, OMIM 203800.

Submission:

Labcorp Genetics (formerly Invitae), Labcorp
Classification: Pathogenic for Alstrom syndrome. Last evaluated: 2021-08-26. Review status: criteria provided, single submitter. Criteria: Invitae Variant Classification Sherloc (09022015). Collection method: clinical testing. Allele origin: germline.
Comment: For these reasons, this variant has been classified as Pathogenic. This variant has not been reported in the literature in individuals affected with ALMS1-related conditions. This variant is not present in population databases (ExAC no frequency). This sequence change creates a premature translational stop signal (p.Pro473Leufs*4) in the ALMS1 gene. It is expected to result in an absent or disrupted protein product. Loss-of-function variants in ALMS1 are known to be pathogenic (PMID: 17594715).

Literature cited by the submitters: PubMed 17594715.